The following is an entry in ClinVar:

ClinVar aggregate classification (germline): Uncertain significance (1 of 4 stars; one submission).

Submission:

Labcorp Genetics (formerly Invitae), Labcorp
Classification: Uncertain significance. Last evaluated: 2025-07-14. Review status: criteria provided, single submitter. Criteria: Invitae Variant Classification Sherloc (09022015). Collection method: clinical testing. Allele origin: germline.
Comment: This variant, c.2184_2186del, results in the deletion of 1 amino acid(s) of the KMT2A protein (p.Ser729del), but otherwise preserves the integrity of the reading frame. This variant is present in population databases (no rsID available, gnomAD 0.0009%). This variant has not been reported in the literature in individuals affected with KMT2A-related conditions. Experimental studies and prediction algorithms are not available or were not evaluated, and the functional significance of this variant is currently unknown. In summary, the available evidence is currently insufficient to determine the role of this variant in disease. Therefore, it has been classified as a Variant of Uncertain Significance.

NM_001197104.2(KMT2A):c.2181TTC[1] (p.Ser729del)

Gene: KMT2A (lysine methyltransferase 2A; plus strand). Cytogenetic location: 11q23.3.
Variant type: Microsatellite.
Coding change: c.2181TTC[1] on transcript NM_001197104.2 (MANE Select); one copy of the 3-base unit TTC starting at c.2181; the reference has two copies in a row; one copy, 3 bases deleted.
Protein change: p.Ser729del; deletes serine 729.
Molecular consequence: inframe deletion. On other transcripts: inframe indel (1).
Genome position (GRCh38, 1-based): chr11:118,473,343-118,473,345, TTC deleted; deleting any 3 consecutive bases within chr11:118,473,338-118,473,345 gives the same sequence; the position shown is the placement nearest the transcript's 3' end. VCF-style (leftmost placement, unchanged base first): chr11-118473337-ATCT-A. GRCh37 (hg19) VCF-style: chr11-118344052-ATCT-A.
Other names: c.2280_2282TTC[1], p.Ser762del (NM_001412597.1); c.2181TTC[1], p.Ser729del (NM_005933.4); short protein forms S729del, S762del.
Identifiers: ClinVar variation 1915904 (VCV001915904.5), dbSNP rs1555036383, ClinGen allele CA602151253.
Genomic context (GRCh38, chr11:118,473,337, plus strand): 5'-GGCTCACTCTAGAATATTTGAGTCTGTAACCTTGCCTAGTAATCGAACTTCTGCTGGAAC[ATCT>A]TCTTCAGGAGTATCCAATAGAAAAAGGAAAAGAAAAGTGTTTAGTCCTATTCGATCTGAA-3'